The following is an entry in ClinVar:

NM_000393.5(COL5A2):c.1433A>T (p.Glu478Val)

Gene: COL5A2 (collagen type V alpha 2 chain; minus strand). Cytogenetic location: 2q32.2.
Variant type: single nucleotide variant.
Coding change: c.1433A>T on transcript NM_000393.5 (MANE Select); coding-DNA position 1433, A replaced by T.
Protein change: p.Glu478Val; replaces glutamic acid 478 with valine.
Molecular consequence: missense variant.
Genome position (GRCh38, 1-based): chr2:189,066,751, T>A on the plus strand (A>T on the coding strand, the complement: COL5A2 is on the minus strand). VCF-style: chr2-189066751-T-A. GRCh37 (hg19) VCF-style: chr2-189931477-T-A.
Other names: c.1433A>T (NM_000393.4); short protein forms E478V.
Identifiers: ClinVar variation 1077874 (VCV001077874.12), dbSNP rs559110283, ClinGen allele CA2022710.

ClinVar aggregate classification (germline): Likely benign. Review status: criteria provided, single submitter (1 of 4 stars). 2 submissions from 2 submitters: Likely benign (1). 1 of the submissions does not count toward it. Last evaluated 2026-01-05.

Conditions:
COL5A2-related disorder. Also called: COL5A2-related condition.
Ehlers-Danlos syndrome, classic type, 1 (EDSCL1). Also called: EHLERS-DANLOS SYNDROME, GRAVIS TYPE; EHLERS-DANLOS SYNDROME, SEVERE CLASSIC TYPE; EDS I; Ehlers-Danlos Syndrome, Classic Type, COL5A1-Related; Ehlers-Danlos syndrome, type 1. Identifiers: MedGen C0268335, MONDO:0019567, OMIM 130000.

Allele frequency attached by ClinVar (database versions not stated): gnomAD 0.00005; gnomAD exomes 0.00024 and 0.00010; ExAC 0.00025; 1000 Genomes Project 30x 0.00047; TOPMed 0.00002; 1000 Genomes Project 0.00040.
gnomAD v4.1: 153 of 1,613,762 alleles (0.0095%); highest among the groups gnomAD compares: South Asian, 0.16%; 1 homozygote.

Submissions (2):

Labcorp Genetics (formerly Invitae), Labcorp
Classification: Likely benign for Ehlers-Danlos syndrome, classic type, 1. Last evaluated: 2026-01-05. Review status: criteria provided, single submitter. Criteria: Invitae Variant Classification Sherloc (09022015). Collection method: clinical testing. Allele origin: germline.

PreventionGenetics, part of Exact Sciences
Classification: Likely benign for COL5A2-related condition. Last evaluated: 2022-06-23. Review status: no assertion criteria provided. Collection method: clinical testing. Allele origin: germline. Not counted in ClinVar's aggregate classification.
Comment: This variant is classified as likely benign based on ACMG/AMP sequence variant interpretation guidelines (Richards et al. 2015 PMID: 25741868, with internal and published modifications).